The following is an entry in ClinVar:

ClinVar aggregate classification (germline): Uncertain significance. Review status: criteria provided, multiple submitters, no conflicts (2 of 4 stars). 5 submissions from 5 submitters: Uncertain significance (4). 1 of the submissions does not count toward it. Last evaluated 2026-06-08.

Conditions:
Inborn genetic diseases. Identifiers: MedGen C0950123, MeSH D030342.
BBS12-related disorder. Also called: BBS12-related condition.
Bardet-Biedl syndrome 12 (BBS12). Identifiers: Orphanet 110, MedGen C1859570, MONDO:0014440, OMIM 615989.
Bardet-Biedl syndrome (BBS). Identifiers: Orphanet 110, MedGen C0752166, MONDO:0015229.

Allele frequency attached by ClinVar (database versions not stated): gnomAD exomes 0.00004 and 0.00005; gnomAD 0.00005; ExAC 0.00007; TOPMed 0.00007; 1000 Genomes Project 30x 0.00016; 1000 Genomes Project 0.00020.
gnomAD v4.1: 62 of 1,613,932 alleles (0.0038%); highest among the groups gnomAD compares: Non-Finnish European, 0.0048%; no homozygotes.

Submissions (5):

PreventionGenetics, part of Exact Sciences
Classification: Uncertain significance for BBS12-related condition. Last evaluated: 2026-06-08. Review status: criteria provided, single submitter. Criteria: ACMG Guidelines, 2015. Collection method: clinical testing. Allele origin: germline.
Comment: The BBS12 c.140G>A variant is predicted to result in the amino acid substitution p.Ser47Asn. To our knowledge, this variant has not been reported in the literature. This variant is reported in 0.0085% of alleles in individuals of European (Non-Finnish) descent in gnomAD. At this time, the clinical significance of this variant is uncertain due to the absence of conclusive functional and genetic evidence.

Ambry Genetics
Classification: Uncertain significance for Inborn genetic diseases. Last evaluated: 2025-07-31. Review status: criteria provided, single submitter. Criteria: Ambry Variant Classification Scheme 2023. Collection method: clinical testing. Allele origin: germline.

Labcorp Genetics (formerly Invitae), Labcorp
Classification: Uncertain significance for Bardet-Biedl syndrome. Last evaluated: 2022-08-09. Review status: criteria provided, single submitter. Criteria: Invitae Variant Classification Sherloc (09022015). Collection method: clinical testing. Allele origin: germline.
Comment: This sequence change replaces serine, which is neutral and polar, with asparagine, which is neutral and polar, at codon 47 of the BBS12 protein (p.Ser47Asn). This variant is present in population databases (rs149473445, gnomAD 0.009%). This variant has not been reported in the literature in individuals affected with BBS12-related conditions. ClinVar contains an entry for this variant (Variation ID: 1054028). Algorithms developed to predict the effect of missense changes on protein structure and function are either unavailable or do not agree on the potential impact of this missense change (SIFT: "Deleterious"; PolyPhen-2: "Probably Damaging"; Align-GVGD: "Class C0"). In summary, the available evidence is currently insufficient to determine the role of this variant in disease. Therefore, it has been classified as a Variant of Uncertain Significance.

Fulgent Genetics
Classification: Uncertain significance for Bardet-Biedl syndrome 12. Last evaluated: 2022-02-22. Review status: criteria provided, single submitter. Criteria: ACMG Guidelines, 2015. Collection method: clinical testing. Allele origin: unknown.

Natera, Inc.
Classification: Uncertain significance for Bardet-Biedl syndrome type 12. Last evaluated: 2020-02-13. Review status: no assertion criteria provided. Collection method: clinical testing. Allele origin: germline. Not counted in ClinVar's aggregate classification.

NM_152618.3(BBS12):c.140G>A (p.Ser47Asn)

Gene: BBS12 (Bardet-Biedl syndrome 12; plus strand). Cytogenetic location: 4q27.
Variant type: single nucleotide variant.
Coding change: c.140G>A on transcript NM_152618.3 (MANE Select); coding-DNA position 140, G replaced by A.
Protein change: p.Ser47Asn; replaces serine 47 with asparagine.
Molecular consequence: missense variant.
Genome position (GRCh38, 1-based): chr4:122,742,032, G>A. VCF-style: chr4-122742032-G-A. GRCh37 (hg19) VCF-style: chr4-123663187-G-A.
Other names: c.140G>A (NM_152618.2); c.140G>A, p.Ser47Asn (NM_001178007.2); short protein forms S47N.
Identifiers: ClinVar variation 1054028 (VCV001054028.8), dbSNP rs149473445, ClinGen allele CA3069249.
Genomic context (GRCh38, chr4:122,742,032, plus strand): 5'-GAACTTTCCTAGGCCCACTAAAATCATCCAAATTTATTATAGATGAAGAATGTCATGAAA[G>A]TGTATTAATCAGTTCAACAGTAAGGCTTCTTGAAAGTTTGGATTTAACCAGTGCAGTGGG-3'
Protein context (NP_689831.2, residues 37-57): KFIIDEECHE[Ser47Asn]VLISSTVRLL